The following is an entry in ClinVar:

NM_181303.2(NLGN3):c.1985C>T (p.Pro662Leu)

Gene: NLGN3 (neuroligin 3; plus strand). Cytogenetic location: Xq13.1.
Variant type: single nucleotide variant.
Coding change: c.1985C>T on transcript NM_181303.2 (MANE Select); coding-DNA position 1985, C replaced by T.
Protein change: p.Pro662Leu; replaces proline 662 with leucine.
Molecular consequence: missense variant.
Genome position (GRCh38, 1-based): chrX:71,169,535, C>T. VCF-style: chrX-71169535-C-T. GRCh37 (hg19) VCF-style: chrX-70389385-C-T.
Other names: c.1865C>T, p.Pro622Leu (NM_001166660.2); c.1574C>T, p.Pro525Leu (NM_001321276.2); c.1925C>T, p.Pro642Leu (NM_018977.4); short protein forms P525L, P622L, P642L, P662L.
Identifiers: ClinVar variation 3773946 (VCV003773946.1).

ClinVar aggregate classification (germline): Uncertain significance (1 of 4 stars; one submission).

Submission:

GeneDx
Classification: Uncertain significance. Last evaluated: 2024-09-19. Review status: criteria provided, single submitter. Criteria: GeneDx Variant Classification Process June 2021. Collection method: clinical testing. Allele origin: germline. Affected: yes.
Comment: Not observed in large population cohorts (gnomAD); In silico analysis supports that this missense variant has a deleterious effect on protein structure/function; Has not been previously published as pathogenic or benign to our knowledge